The following is an entry in ClinVar:

ClinVar aggregate classification (germline): Conflicting classifications of pathogenicity. Review status: criteria provided, conflicting classifications (1 of 4 stars). 10 submissions from 10 submitters: Uncertain significance (7); Likely benign (2). 1 of the submissions does not count toward it. Last evaluated 2025-07-28.

Conditions:
TTN-related disorder. Also called: TTN-related disorders; TTN-related condition; TTN-related disease.
Autosomal recessive limb-girdle muscular dystrophy type 2J (LGMDR10). Also called: Limb-girdle muscular dystrophy, type 2J; MUSCULAR DYSTROPHY, LIMB-GIRDLE, AUTOSOMAL RECESSIVE 10. Identifiers: Orphanet 140922, MedGen C1837342, MONDO:0012127, OMIM 608807.
Dilated cardiomyopathy 1G (CMD1G). Identifiers: Orphanet 154, MedGen C1858763, MONDO:0011400, OMIM 604145.
Tibial muscular dystrophy (TMD). Also called: Udd Distal Myopathy – Tibial Muscular Dystrophy; UDD MYOPATHY; Tibial muscular dystrophy, tardive. Identifiers: Orphanet 609, MedGen C1838244, MONDO:0010870, OMIM 600334.
Myopathy, myofibrillar, 9, with early respiratory failure (MFM9). Also called: MYOPATHY, PROXIMAL, WITH EARLY RESPIRATORY MUSCLE INVOLVEMENT; Hereditary myopathy with early respiratory failure; EDSTROM MYOPATHY; Myopathy, distal, with early respiratory failure, autosomal dominant. Identifiers: Orphanet 178464, Orphanet 34521, MedGen C1863599, MONDO:0011362, OMIM 603689.
Hypertrophic cardiomyopathy 9. Also called: Familial hypertrophic cardiomyopathy 9. Identifiers: MedGen C1861065, MONDO:0013412, OMIM 613765.
Early-onset myopathy with fatal cardiomyopathy (CMYO5). Also called: Salih Myopathy; CONGENITAL MYOPATHY 5 WITH CARDIOMYOPATHY. Identifiers: Orphanet 289377, MedGen C2673677, MONDO:0012714, OMIM 611705. Disease mechanism: loss of function.

Allele frequency attached by ClinVar (database versions not stated): gnomAD exomes below 0.00001 and 0.00002; TOPMed 0.00002; gnomAD 0.00003 and 0.00004.
gnomAD v4.1: 31 of 1,612,954 alleles (0.0019%); highest among the groups gnomAD compares: Non-Finnish European, 0.0026%; no homozygotes.

Submissions (10):

Women's Health and Genetics/Laboratory Corporation of America, LabCorp
Classification: Uncertain significance. Last evaluated: 2025-07-28. Review status: criteria provided, single submitter. Criteria: LabCorp Variant Classification Summary - May 2015. Collection method: clinical testing. Allele origin: germline.
Comment: Variant summary: TTN c.12578G>A (p.Ser4193Asn) results in a conservative amino acid change in the encoded protein sequence. Algorithms developed to predict the effect of missense changes on protein structure and function all suggest that this variant is likely to be tolerated. The variant allele was found at a frequency of 4e-06 in 247714 control chromosomes. The available data on variant occurrences in the general population are insufficient to allow any conclusion about variant significance. To our knowledge, no occurrence of c.12578G>A in individuals affected with Autosomal Recessive Titinopathy and no experimental evidence demonstrating its impact on protein function have been reported. ClinVar contains an entry for this variant (Variation ID: 197941). Based on the evidence outlined above, the variant was classified as uncertain significance.

Revvity Omics, Revvity
Classification: Uncertain significance. Last evaluated: 2025-05-06. Review status: criteria provided, single submitter. Criteria: ACMG Guidelines, 2015. Collection method: clinical testing. Allele origin: germline.

Molecular Diagnostic Laboratory for Inherited Cardiovascular Disease, Montreal Heart Institute
Classification: Likely benign. Last evaluated: 2025-04-09. Review status: criteria provided, single submitter. Criteria: ACMG Guidelines, 2015. Collection method: clinical testing. Allele origin: germline. Affected: no.

Mayo Clinic Laboratories, Mayo Clinic
Classification: Uncertain significance. Last evaluated: 2025-04-01. Review status: criteria provided, single submitter. Criteria: ACMG Guidelines, 2015. Collection method: clinical testing. Allele origin: germline. Observed: 1 variant allele.

Blueprint Genetics
Classification: Likely benign. Last evaluated: 2024-09-25. Review status: criteria provided, single submitter. Criteria: ACMG Guidelines, 2015. Collection method: clinical testing. Allele origin: germline.

GeneDx
Classification: Uncertain significance. Last evaluated: 2023-03-09. Review status: criteria provided, single submitter. Criteria: GeneDx Variant Classification Process June 2021. Collection method: clinical testing. Allele origin: germline. Affected: yes.
Comment: Has not been previously published as pathogenic or benign to our knowledge; Missense variant in a gene in which most reported pathogenic variants are truncating/loss-of-function

Fulgent Genetics
Classification: Uncertain significance for Tibial muscular dystrophy; Myopathy, myofibrillar, 9, with early respiratory failure; Dilated cardiomyopathy 1G; Autosomal recessive limb-girdle muscular dystrophy type 2J; Early-onset myopathy with fatal cardiomyopathy; Hypertrophic cardiomyopathy 9. Last evaluated: 2022-03-14. Review status: criteria provided, single submitter. Criteria: ACMG Guidelines, 2015. Collection method: clinical testing. Allele origin: unknown.

Labcorp Genetics (formerly Invitae), Labcorp
Classification: Uncertain significance for Dilated cardiomyopathy 1G; Autosomal recessive limb-girdle muscular dystrophy type 2J. Last evaluated: 2017-09-27. Review status: criteria provided, single submitter. Criteria: Invitae Variant Classification Sherloc (09022015). Collection method: clinical testing. Allele origin: germline.

Eurofins Ntd Llc (ga)
Classification: Uncertain significance. Last evaluated: 2014-11-14. Review status: criteria provided, single submitter. Criteria: EGL Classification Definitions 2015. Collection method: clinical testing. Allele origin: germline. Observed: 2 variant alleles, 2 heterozygotes.

PreventionGenetics, part of Exact Sciences
Classification: Uncertain significance for TTN-related condition. Last evaluated: 2024-08-05. Review status: no assertion criteria provided. Collection method: clinical testing. Allele origin: germline. Not counted in ClinVar's aggregate classification.
Comment: The TTN c.16310G>A variant is predicted to result in the amino acid substitution p.Ser5437Asn. To our knowledge, this variant has not been reported in the literature. This variant is reported in 0.0016% of alleles in individuals of European (Non-Finnish) descent in gnomAD. At this time, the clinical significance of this variant is uncertain due to the absence of conclusive functional and genetic evidence.

NM_001267550.2(TTN):c.16310G>A (p.Ser5437Asn)

Gene: TTN (titin; minus strand). Cytogenetic location: 2q31.2.
Variant type: single nucleotide variant.
Coding change: c.16310G>A on transcript NM_001267550.2 (MANE Select); coding-DNA position 16310, G replaced by A.
Protein change: p.Ser5437Asn; replaces serine 5437 with asparagine.
Molecular consequence: missense variant. On other transcripts: intron variant (3).
Genome position (GRCh38, 1-based): chr2:178,732,866, C>T on the plus strand (G>A on the coding strand, the complement: TTN is on the minus strand). VCF-style: chr2-178732866-C-T. GRCh37 (hg19) VCF-style: chr2-179597593-C-T.
Other names: p.Ser4193Asn; c.15359G>A, p.Ser5120Asn (NM_001256850.1); c.12578G>A, p.Ser4193Asn (NM_133378.4); c.13282+5216G>A (NM_003319.4); c.13858+5216G>A (NM_133437.4); c.13657+5216G>A (NM_133432.3); c.16310G>A (NM_001267550.1); short protein forms S5437N, S4193N, S5120N.
Identifiers: ClinVar variation 197941 (VCV000197941.17), dbSNP rs794727755, ClinGen allele CA246343.
Genomic context (GRCh38, chr2:178,732,866, plus strand): 5'-AGGATAAAATGCAAAGTCTCCAGCCAACCTTGCACAATCAGGGCTCCACTGCTGTCTTTG[C>T]TTCCCACGGAATTTGTGGCTCGACAAGTGAAATTCCCTGCATCATTCATGTCTACTCTGA-3'
Protein context (NP_001254479.2, residues 5427-5447): FTCRATNSVG[Ser5437Asn]KDSSGALIVQ